The following is an entry in ClinVar:

ClinVar aggregate classification (germline): Uncertain significance. Review status: criteria provided, multiple submitters, no conflicts (2 of 4 stars). 2 submissions from 2 submitters: Uncertain significance (2). Last evaluated 2025-03-04.

Conditions:
Familial adenomatous polyposis 1 (FAP1). Also called: FAMILIAL ADENOMATOUS POLYPOSIS 1, ATTENUATED; POLYPOSIS, ADENOMATOUS INTESTINAL. Identifiers: MedGen C2713442, MONDO:0021056, OMIM 175100. Disease mechanism: loss of function.

Submissions (2):

Center for Genomic Medicine, Rigshospitalet, Copenhagen University Hospital
Classification: Uncertain significance. Last evaluated: 2025-03-04. Review status: criteria provided, single submitter. Criteria: ACMG Guidelines, 2015. Collection method: clinical testing. Allele origin: germline.

Labcorp Genetics (formerly Invitae), Labcorp
Classification: Uncertain significance for Familial adenomatous polyposis 1. Last evaluated: 2024-03-15. Review status: criteria provided, single submitter. Criteria: Invitae Variant Classification Sherloc (09022015). Collection method: clinical testing. Allele origin: germline.
Comment: This variant occurs in a non-coding region of the APC gene. It does not change the encoded amino acid sequence of the APC protein. This variant is not present in population databases (gnomAD no frequency). This variant has not been reported in the literature in individuals affected with APC-related conditions. Experimental studies and prediction algorithms are not available or were not evaluated, and the functional significance of this variant is currently unknown. In summary, the available evidence is currently insufficient to determine the role of this variant in disease. Therefore, it has been classified as a Variant of Uncertain Significance.

Literature cited by the submitters: PubMed 27087319 (cited by Center for Genomic Medicine, Rigshospitalet, Copenhagen University Hospital).

NM_001127511.3(APC):c.-133_-132insA

Gene: APC (APC regulator of Wnt signaling pathway; plus strand). Cytogenetic location: 5q22.2.
Variant type: Insertion.
Coding change: c.-133_-132insA on transcript NM_001127511.3; 133 bases upstream of the start codon through 132 bases upstream of the start codon, A inserted.
Molecular consequence: 5 prime UTR variant. On other transcripts: non-coding transcript variant (2).
Genome position: GRCh38 VCF-style: chr5-112707585-C-CA. GRCh37 (hg19) VCF-style: chr5-112043282-C-CA.
Other names: c.-316_-315insA (NM_001354895.2, NM_001407447.1, NM_001407452.1 and 3 more transcripts); c.-133_-132insA (NM_001354897.2, NM_001354902.2, NM_001407446.1); c.-83_-82insA (NM_001407448.1, NM_001407450.1, NM_001407457.1 and 1 more transcripts); c.-107_-106insA (NM_001407453.1); c.-1351_-1350insA (NM_001407470.1, NM_001407472.1).
Identifiers: ClinVar variation 1010139 (VCV001010139.13), dbSNP rs1750582620, ClinGen allele CA1573442492.
Genomic context (GRCh38, chr5:112,707,585, plus strand): 5'-GATGGCGGAGGGCAAGTAGCAAGGGGGCGGGGTGTGGCCGCCGGAAGCCTAGCCGCTGCT[C>CA]GGGGGGGACCTGCGGGCTCAGGCCCGGGAGCTGCGGACCGAGGTTGGCTCGATGCTGTTC-3'